The following is an entry in ClinVar:

NM_000256.3(MYBPC3):c.344G>A (p.Gly115Glu)

Gene: MYBPC3 (myosin binding protein C3; minus strand). Cytogenetic location: 11p11.2.
Variant type: single nucleotide variant.
Coding change: c.344G>A on transcript NM_000256.3 (MANE Select); coding-DNA position 344, G replaced by A.
Protein change: p.Gly115Glu; replaces glycine 115 with glutamic acid.
Molecular consequence: missense variant.
Genome position (GRCh38, 1-based): chr11:47,350,564, C>T on the plus strand (G>A on the coding strand, the complement: MYBPC3 is on the minus strand). VCF-style: chr11-47350564-C-T. GRCh37 (hg19) VCF-style: chr11-47372115-C-T.
Other names: c.344G>A, p.Gly115Glu (LRG_386t1); short protein forms G115E.
Identifiers: ClinVar variation 520354 (VCV000520354.10), dbSNP rs1555123616, ClinGen allele CA380340782.

ClinVar aggregate classification (germline): Conflicting classifications of pathogenicity. Review status: criteria provided, conflicting classifications (1 of 4 stars). 3 submissions from 3 submitters: Uncertain significance (2); Likely benign (1). Last evaluated 2026-08-06.

Conditions:
Cardiovascular phenotype. Identifiers: MedGen CN230736.
Hypertrophic cardiomyopathy. Also called: HYPERTROPHIC MYOCARDIOPATHY. Identifiers: Orphanet 217569, MedGen C0007194, MeSH D002312, MONDO:0005045, HP:0001639.

Allele frequency attached by ClinVar (database versions not stated): gnomAD 0.00001; TOPMed 0.00001.

Submissions (3):

Ambry Genetics
Classification: Likely benign for Cardiovascular phenotype. Last evaluated: 2026-08-06. Review status: criteria provided, single submitter. Criteria: Ambry Variant Classification Scheme 2023. Collection method: clinical testing. Allele origin: germline.

All of Us Research Program, National Institutes of Health
Classification: Uncertain significance for Hypertrophic cardiomyopathy. Last evaluated: 2024-03-05. Review status: criteria provided, single submitter. Criteria: ACMG Guidelines, 2015. Collection method: clinical testing. Allele origin: germline. Inheritance: Autosomal dominant inheritance. Observed: 1 variant allele, 1 heterozygote.
Comment: This study involves interpretation of variants in research participants for the purpose of population health screening. Participant phenotype was not available at the time of variant classification. Additional details can be found in publication PMID: 35346344, PMCID: PMC8962531

Labcorp Genetics (formerly Invitae), Labcorp
Classification: Uncertain significance for Hypertrophic cardiomyopathy. Last evaluated: 2024-01-28. Review status: criteria provided, single submitter. Criteria: Invitae Variant Classification Sherloc (09022015). Collection method: clinical testing. Allele origin: germline.
Comment: This sequence change replaces glycine, which is neutral and non-polar, with glutamic acid, which is acidic and polar, at codon 115 of the MYBPC3 protein (p.Gly115Glu). This variant is not present in population databases (gnomAD no frequency). This variant has not been reported in the literature in individuals affected with MYBPC3-related conditions. ClinVar contains an entry for this variant (Variation ID: 520354). Algorithms developed to predict the effect of missense changes on protein structure and function output the following: SIFT: "Not Available"; PolyPhen-2: "Benign"; Align-GVGD: "Not Available". The glutamic acid amino acid residue is found in multiple mammalian species, which suggests that this missense change does not adversely affect protein function. In summary, the available evidence is currently insufficient to determine the role of this variant in disease. Therefore, it has been classified as a Variant of Uncertain Significance.